The following is an entry in ClinVar:

ClinVar aggregate classification (germline): Uncertain significance (1 of 4 stars; one submission).

Conditions:
Hypertrophic cardiomyopathy 26. Also called: Cardiomyopathy, familial hypertrophic, 26. Identifiers: Orphanet 75249, MedGen C4310749, MONDO:0014883, OMIM 617047.
Myofibrillar myopathy 5. Also called: Filaminopathy (type); FILAMINOPATHY, AUTOSOMAL DOMINANT. Identifiers: Orphanet 171445, MedGen C1836050, MONDO:0012289, OMIM 609524.
Distal myopathy with posterior leg and anterior hand involvement. Also called: WILLIAMS DISTAL MYOPATHY. Identifiers: Orphanet 63273, MedGen C3279722, MONDO:0013550, OMIM 614065.

Submission:

Labcorp Genetics (formerly Invitae), Labcorp
Classification: Uncertain significance for Distal myopathy with posterior leg and anterior hand involvement; Myofibrillar myopathy 5; Hypertrophic cardiomyopathy 26. Last evaluated: 2025-10-08. Review status: criteria provided, single submitter. Criteria: Invitae Variant Classification Sherloc (09022015). Collection method: clinical testing. Allele origin: germline.
Comment: This sequence change replaces leucine, which is neutral and non-polar, with valine, which is neutral and non-polar, at codon 1850 of the FLNC protein (p.Leu1850Val). This variant is present in population databases (rs755571492, gnomAD 0.006%). This variant has not been reported in the literature in individuals affected with FLNC-related conditions. Invitae Evidence Modeling of protein sequence and biophysical properties (such as structural, functional, and spatial information, amino acid conservation, physicochemical variation, residue mobility, and thermodynamic stability) has been performed for this missense variant. However, the output from this modeling did not meet the statistical confidence thresholds required to predict the impact of this variant on FLNC protein function. In summary, the available evidence is currently insufficient to determine the role of this variant in disease. Therefore, it has been classified as a Variant of Uncertain Significance.

NM_001458.5(FLNC):c.5548T>G (p.Leu1850Val)

Genes: FLNC-AS1 (FLNC antisense RNA 1; minus strand), FLNC (filamin C; plus strand). Cytogenetic location: 7q32.1.
Variant type: single nucleotide variant.
Coding change: c.5548T>G on transcript NM_001458.5 (MANE Select); coding-DNA position 5548, T replaced by G.
Protein change: p.Leu1850Val; replaces leucine 1850 with valine.
Molecular consequence: missense variant.
Genome position (GRCh38, 1-based): chr7:128,851,240, T>G. VCF-style: chr7-128851240-T-G. GRCh37 (hg19) VCF-style: chr7-128491294-T-G.
Other names: c.5449T>G, p.Leu1817Val (NM_001127487.2); short protein forms L1817V, L1850V.
Identifiers: ClinVar variation 4812739 (VCV004812739.1).